The following is an entry in ClinVar:

NM_017570.5(OPLAH):c.1903C>T (p.Arg635Ter)

Gene: OPLAH (5-oxoprolinase, ATP-hydrolysing; minus strand). Cytogenetic location: 8q24.3.
Variant type: single nucleotide variant.
Coding change: c.1903C>T on transcript NM_017570.5 (MANE Select); coding-DNA position 1903, C replaced by T.
Protein change: p.Arg635Ter; replaces arginine 635 with a stop codon.
Molecular consequence: nonsense.
Genome position (GRCh38, 1-based): chr8:144,056,465, G>A on the plus strand (C>T on the coding strand, the complement: OPLAH is on the minus strand). VCF-style: chr8-144056465-G-A. GRCh37 (hg19) VCF-style: chr8-145111368-G-A.
Other names: short protein forms R635*.
Identifiers: ClinVar variation 4081569 (VCV004081569.3).

ClinVar aggregate classification (germline): Conflicting classifications of pathogenicity. Review status: criteria provided, conflicting classifications (1 of 4 stars). 3 submissions from 3 submitters: Likely pathogenic (2); Uncertain significance (1). Last evaluated 2025-06-04.

Conditions:
5-Oxoprolinase deficiency (OPLAHD). Also called: 5-OXOPROLINURIA DUE TO 5-OXOPROLINASE DEFICIENCY. Identifiers: Orphanet 33572, MedGen C0268525, MONDO:0009825, OMIM 260005, HP:0040142.

gnomAD v4.1: 28 of 1,611,150 alleles (0.0017%); highest among the groups gnomAD compares: East Asian, 0.0022%; no homozygotes.

Submissions (3):

First Genomix Gene Laboratory, Genetic Diagnostics Department
Classification: Likely pathogenic for 5-Oxoprolinase deficiency. Last evaluated: 2025-06-04. Review status: criteria provided, single submitter. Criteria: ACMG Guidelines, 2015. Collection method: clinical testing. Allele origin: germline. Inheritance: Autosomal recessive inheritance. Affected: no.

Revvity Omics, Revvity
Classification: Likely pathogenic for 5-Oxoprolinase deficiency. Last evaluated: 2024-07-31. Review status: criteria provided, single submitter. Criteria: ACMG Guidelines, 2015. Collection method: clinical testing. Allele origin: germline.

Blueprint Genetics
Classification: Uncertain significance. Last evaluated: 2024-02-05. Review status: criteria provided, single submitter. Criteria: ACMG Guidelines, 2015. Collection method: clinical testing. Allele origin: germline.